The following is an entry in ClinVar:

ClinVar aggregate classification (germline): Likely benign. Review status: criteria provided, multiple submitters, no conflicts (2 of 4 stars). 2 submissions from 2 submitters: Likely benign (2). Last evaluated 2024-02-07.

Conditions:
Familial focal epilepsy with variable foci (FPEVF). Identifiers: Orphanet 98820, MedGen C1858477, MONDO:0020310.

Allele frequency attached by ClinVar (database versions not stated): gnomAD exomes 0.00001; ExAC 0.00007.
gnomAD v4.1: 10 of 1,608,738 alleles (0.00062%); highest among the groups gnomAD compares: Non-Finnish European, 0.00076%; no homozygotes.

Submissions (2):

Labcorp Genetics (formerly Invitae), Labcorp
Classification: Likely benign for Familial focal epilepsy with variable foci. Last evaluated: 2024-02-07. Review status: criteria provided, single submitter. Criteria: Invitae Variant Classification Sherloc (09022015). Collection method: clinical testing. Allele origin: germline.

CeGaT Center for Human Genetics Tuebingen
Classification: Likely benign. Last evaluated: 2023-05-01. Review status: criteria provided, single submitter. Criteria: CeGaT Center For Human Genetics Tuebingen Variant Classification Criteria Version 2. Collection method: clinical testing. Allele origin: germline. Affected: yes. Observed: 1 variant allele.
Comment: DEPDC5: BP4, BP7

NM_001242896.3(DEPDC5):c.3600C>A (p.Leu1200=)

Gene: DEPDC5 (DEP domain containing 5, GATOR1 subcomplex subunit; plus strand). Cytogenetic location: 22q12.3.
Variant type: single nucleotide variant.
Coding change: c.3600C>A on transcript NM_001242896.3 (MANE Select); coding-DNA position 3600, C replaced by A.
Protein change: p.Leu1200=; no amino-acid change (leucine 1200 retained).
Molecular consequence: synonymous variant. On other transcripts: non-coding transcript variant (4).
Genome position (GRCh38, 1-based): chr22:31,874,309, C>A. VCF-style: chr22-31874309-C-A. GRCh37 (hg19) VCF-style: chr22-32270295-C-A.
Other names: c.3573C>A, p.Leu1191= (NM_001136029.4); c.3300C>A, p.Leu1100= (NM_001242897.2); c.3534C>A, p.Leu1178= (NM_001363852.2, NM_001364320.2); c.3366C>A, p.Leu1122= (NM_001363854.2, NM_001364319.2); c.3600C>A, p.Leu1200= (NM_001364318.2); c.3516C>A, p.Leu1172= (NM_001369901.1, NM_001369902.1); c.3507C>A, p.Leu1169= (NM_001369903.1, NM_014662.6).
Identifiers: ClinVar variation 2653083 (VCV002653083.26), dbSNP rs756889449, ClinGen allele CA10197040.